The following is an entry in ClinVar:

NM_007294.4(BRCA1):c.4474G>T (p.Gly1492Ter)

Gene: BRCA1 (BRCA1 DNA repair associated; minus strand). Cytogenetic location: 17q21.31.
Variant type: single nucleotide variant.
Coding change: c.4474G>T on transcript NM_007294.4 (MANE Select); coding-DNA position 4474, G replaced by T.
Protein change: p.Gly1492Ter; replaces glycine 1492 with a stop codon.
Molecular consequence: nonsense. On other transcripts: non-coding transcript variant (1).
Genome position (GRCh38, 1-based): chr17:43,076,498, C>A on the plus strand (G>T on the coding strand, the complement: BRCA1 is on the minus strand). VCF-style: chr17-43076498-C-A. GRCh37 (hg19) VCF-style: chr17-41228515-C-A.
Other names: c.4261G>T, p.Gly1421Ter (NM_001407571.1, NM_001407899.1, NM_001407900.1 and 12 more transcripts); c.4540G>T, p.Gly1514Ter (NM_001407581.1, NM_001407582.1); c.4537G>T, p.Gly1513Ter (NM_001407583.1, NM_001407585.1, NM_001407587.1 and 1 more transcripts); c.4534G>T, p.Gly1512Ter (NM_001407590.1, NM_001407591.1); c.4474G>T, p.Gly1492Ter (NM_001407593.1, NM_001407594.1, NM_001407596.1 and 8 more transcripts); c.4471G>T, p.Gly1491Ter (NM_001407610.1, NM_001407611.1, NM_001407612.1 and 17 more transcripts); c.4468G>T, p.Gly1490Ter (NM_001407628.1, NM_001407629.1, NM_001407630.1 and 14 more transcripts); c.4417G>T, p.Gly1473Ter (NM_001407648.1); and 68 more; short protein forms G1492*, G1513*, G1445*, G388*, G1363*, G1420*, G1444*, G1450*.
Identifiers: ClinVar variation 216105 (VCV000216105.11), dbSNP rs863224511, ClinGen allele CA337710.

ClinVar aggregate classification (germline): Pathogenic. Review status: reviewed by expert panel (3 of 4 stars). 2 submissions from 2 submitters: Pathogenic (1). 1 of the submissions does not count toward it. Last evaluated 2016-09-08.

Conditions:
Breast-ovarian cancer, familial, susceptibility to, 1 (BROVCA1). Also called: BRCA1 Hereditary Breast and Ovarian Cancer; OVARIAN CANCER, SUSCEPTIBILITY TO. Identifiers: Orphanet 145, MedGen C2676676, MONDO:0011450, OMIM 604370. Disease mechanism: loss of function.
Hereditary breast ovarian cancer syndrome. Also called: Breast and ovarian cancer; Hereditary breast and ovarian cancer; Hereditary breast and ovarian cancer syndrome; Hereditary breast and/or ovarian cancer syndrome; BRCA1- and BRCA2-Associated Hereditary Breast and Ovarian Cancer; Hereditary breast and ovarian cancer syndrome (HBOC). Identifiers: Orphanet 145, MedGen C0677776, MeSH D061325, MONDO:0003582. Disease mechanism: loss of function.

Submissions (2):

Evidence-based Network for the Interpretation of Germline Mutant Alleles (ENIGMA)
Classification: Pathogenic for Breast-ovarian cancer, familial, susceptibility to, 1. Last evaluated: 2016-09-08. Review status: reviewed by expert panel. Criteria: ENIGMA BRCA1/2 Classification Criteria (2015). Collection method: curation. Allele origin: germline.
Comment: Variant allele predicted to encode a truncated non-functional protein.

Labcorp Genetics (formerly Invitae), Labcorp
Classification: Pathogenic for Hereditary breast ovarian cancer syndrome. Last evaluated: 2015-05-12. Review status: criteria provided, single submitter. Criteria: Invitae Variant Classification Sherloc (09022015). Collection method: clinical testing. Allele origin: germline. Not counted in ClinVar's aggregate classification.
Comment: This sequence change creates a premature translational stop signal at codon 1492 (p.Gly1492*). It is expected to result in an absent or disrupted protein product. While this particular variant has not been reported in the literature, truncating variants in BRCA1 are known to be pathogenic (PMID: 20104584). For these reasons, this variant has been classified as Pathogenic.

Literature cited by the submitters: PubMed 20104584 (cited by Labcorp Genetics (formerly Invitae), Labcorp).